The following is an entry in ClinVar:

ClinVar aggregate classification (germline): Uncertain significance. Review status: reviewed by expert panel (3 of 4 stars). 2 submissions from 2 submitters: Uncertain significance (1). 1 of the submissions does not count toward it. Last evaluated 2024-07-11.

Conditions:
Hereditary thrombocytopenia and hematologic cancer predisposition syndrome. Identifiers: Orphanet 71290, MedGen CN281654, MONDO:0011071.
Hereditary thrombocytopenia and hematological cancer predisposition syndrome associated with RUNX1. Also called: RUNX1 Familial Platelet Disorder with Associated Myeloid Malignancies; PLATELET DISORDER, ASPIRIN-LIKE; Familial Platelet Disorder with Propensity to Acute Myelogenous Leukemia; Familial thrombocytopenia with propensity to acute myelogenous leukemia. Identifiers: Orphanet 71290, MedGen C1832388, MeSH C563324, MONDO:0100083, OMIM 601399.

Allele frequency attached by ClinVar (database versions not stated): gnomAD below 0.00001 and 0.00001; gnomAD exomes below 0.00001.
gnomAD v4.1: 4 of 1,570,628 alleles (0.00025%); highest among the groups gnomAD compares: South Asian, 0.0045%; no homozygotes.

Submissions (2):

ClinGen Myeloid Malignancy Variant Curation Expert Panel
Classification: Uncertain significance for Hereditary thrombocytopenia and hematologic cancer predisposition syndrome. Last evaluated: 2024-07-11. Review status: reviewed by expert panel. Criteria: ClinGen MyeloMalig ACMG Specifications v2. Collection method: curation. Allele origin: germline. Inheritance: Autosomal dominant inheritance.
Comment: NM_001754.5(RUNX1):c.59-6T>C is a splicing variant which may impact splicing. These changes are only predicted to impact isoform C. MAF of 0.000207 (0.021%, 1/4834, 1 allele) in the South Asian subpopulation of the gnomAD 3.1.2 cohort is between 0.00015 (0.015%) and 0.0015 (0.15%) (BS1). This intronic variant has a SpliceAI score ≥ 0.38 (Acceptor Loss = 0.49, Donor Loss = 0.45) (PP3). In summary, the clinical significance of this variant is uncertain. ACMG/AMP criteria applied, as specified by the Myeloid Malignancy Variant Curation Expert Panel for RUNX1: BS1, PP3.

Labcorp Genetics (formerly Invitae), Labcorp
Classification: Uncertain significance for Hereditary thrombocytopenia and hematological cancer predisposition syndrome associated with RUNX1. Last evaluated: 2024-12-02. Review status: criteria provided, single submitter. Criteria: Invitae Variant Classification Sherloc (09022015). Collection method: clinical testing. Allele origin: germline. Not counted in ClinVar's aggregate classification.
Comment: This sequence change falls in intron 2 of the RUNX1 gene. It does not directly change the encoded amino acid sequence of the RUNX1 protein. This variant is not present in population databases (gnomAD no frequency). This variant has not been reported in the literature in individuals affected with RUNX1-related conditions. ClinVar contains an entry for this variant (Variation ID: 853648). Algorithms developed to predict the effect of sequence changes on RNA splicing suggest that this variant may disrupt the consensus splice site. In summary, the available evidence is currently insufficient to determine the role of this variant in disease. Therefore, it has been classified as a Variant of Uncertain Significance.

NM_001754.5(RUNX1):c.59-6T>C

Gene: RUNX1 (RUNX family transcription factor 1; minus strand). Cytogenetic location: 21q22.12.
Variant type: single nucleotide variant.
Coding change: c.59-6T>C on transcript NM_001754.5 (MANE Select); 6 bases into the intron before coding-DNA position 59, T replaced by C.
Molecular consequence: intron variant.
Genome position (GRCh38, 1-based): chr21:34,892,969, A>G on the plus strand (T>C on the coding strand, the complement: RUNX1 is on the minus strand). VCF-style: chr21-34892969-A-G. GRCh37 (hg19) VCF-style: chr21-36265266-A-G.
Identifiers: ClinVar variation 853648 (VCV000853648.10), dbSNP rs2058096569, ClinGen allele CA916081959.